The following is an entry in ClinVar:

ClinVar aggregate classification (germline): Uncertain significance (1 of 4 stars; one submission).

Conditions:
Cardiovascular phenotype. Identifiers: MedGen CN230736.

Allele frequency attached by ClinVar (database versions not stated): ExAC 0.00007; gnomAD 0.00011; TOPMed 0.00016.
gnomAD v4.1: 31 of 1,568,732 alleles (0.002%); highest among the groups gnomAD compares: African/African-American, 0.032%; no homozygotes.

Submission:

Ambry Genetics
Classification: Uncertain significance for Cardiovascular phenotype. Last evaluated: 2024-06-17. Review status: criteria provided, single submitter. Criteria: Ambry Variant Classification Scheme 2023. Collection method: clinical testing. Allele origin: germline.
Comment: The p.G36S variant (also known as c.106G>A), located in coding exon 1 of the LMF1 gene, results from a G to A substitution at nucleotide position 106. The glycine at codon 36 is replaced by serine, an amino acid with similar properties. This amino acid position is conserved. In addition, this alteration is predicted to be tolerated by in silico analysis. Since supporting evidence is limited at this time, the clinical significance of this alteration remains unclear.

NM_022773.4(LMF1):c.106G>A (p.Gly36Ser)

Genes: LMF1 (lipase maturation factor 1; minus strand), LOC130058141 (ATAC-STARR-seq lymphoblastoid silent region 6962; plus strand). Cytogenetic location: 16p13.3.
Variant type: single nucleotide variant.
Coding change: c.106G>A on transcript NM_022773.4 (MANE Select); coding-DNA position 106, G replaced by A.
Protein change: p.Gly36Ser; replaces glycine 36 with serine.
Molecular consequence: missense variant. On other transcripts: 5 prime UTR variant (1), non-coding transcript variant (1), intron variant (3).
Genome position (GRCh38, 1-based): chr16:970,875, C>T on the plus strand (G>A on the coding strand, the complement: LMF1 is on the minus strand). VCF-style: chr16-970875-C-T. GRCh37 (hg19) VCF-style: chr16-1020875-C-T.
Other names: c.106G>A, p.Gly36Ser (NM_001352020.1); c.-600G>A (NM_001352021.2); c.-135+10270G>A (NM_001352019.2); c.-611+10270G>A (NM_001352017.2); c.-362+10270G>A (NM_001352018.2); short protein forms G36S.
Identifiers: ClinVar variation 1783041 (VCV001783041.3), dbSNP rs776764135, ClinGen allele CA7797778.